The following is an entry in ClinVar:

NM_000330.4(RS1):c.78+1G>A

Gene: RS1 (retinoschisin 1; minus strand). Cytogenetic location: Xp22.13.
Variant type: single nucleotide variant.
Coding change: c.78+1G>A on transcript NM_000330.4 (MANE Select); the canonical splice donor site of the intron after coding-DNA position 78, G replaced by A.
Molecular consequence: splice donor variant.
Genome position (GRCh38, 1-based): chrX:18,657,639, C>T on the plus strand (G>A on the coding strand, the complement: RS1 is on the minus strand). VCF-style: chrX-18657639-C-T. GRCh37 (hg19) VCF-style: chrX-18675759-C-T.
Identifiers: ClinVar variation 99022 (VCV000099022.10), dbSNP rs281865341, ClinGen allele CA226856.

ClinVar aggregate classification (germline): Pathogenic. Review status: reviewed by expert panel (3 of 4 stars). 3 submissions from 3 submitters: Pathogenic (1). 2 of the submissions do not count toward it. Last evaluated 2025-05-19.

Conditions:
Juvenile retinoschisis (RS1). Also called: X-Linked Juvenile Retinoschisis; X-linked retinoschisis. Identifiers: Orphanet 792, MedGen C3714753, MONDO:0010725, OMIM 312700.

Allele frequency attached by ClinVar (database versions not stated): gnomAD exomes below 0.00001.

Submissions (3):

ClinGen X-linked Inherited Retinal Disease Variant Curation Expert Panel, ClinGen
Classification: Pathogenic for Juvenile retinoschisis. Last evaluated: 2025-05-19. Review status: reviewed by expert panel. Criteria: ClinGen X LinkedIRD ACMG Specifications RS1 V1.0.0. Collection method: curation. Allele origin: germline. Inheritance: X-linked inheritance.
Comment: The NM_000330.4(RS1):c.78+1G>A variant is a canonical splice site variant in intron 2, located 1 nucleotide after exon 2. This variant is absent from hemizygous individuals in gnomAD v4.1.0 (PM2_Supporting). This variant occurs at a canonical splice site in intron 2 and is predicted to disrupt splicing and induce skipping of exon 3, which is expected to introduce a premature stop codon in RS1 (PVS1). At least one proband harboring this variant exhibits a phenotype including appearance of schisis and reduced visual acuity before age 13 years, which together are specific for X-linked retinoschisis (PMID: 12383832, PP4). This variant has been reported in at least 1 proband meeting the PS4 requirement of a male diagnosed with X-linked retinoschisis, as well as a second apparently unrelated proband previously used for the PP4 code (PMIDs: 33946315, PS4_Supporting). In summary, this variant is classified as pathogenic for X-linked retinoschisis based on the ClinGen X-linked Inherited Retinal Disease Expert Panel Specifications to the ACMG/AMP Variant Interpretation Guidelines for RS1 Version 1.0.0: PVS1, PP4, PS4_supporting, and PM2_supporting (date of approval 01/24/2025).

Labcorp Genetics (formerly Invitae), Labcorp
Classification: Pathogenic. Last evaluated: 2022-03-03. Review status: criteria provided, single submitter. Criteria: Invitae Variant Classification Sherloc (09022015). Collection method: clinical testing. Allele origin: germline. Not counted in ClinVar's aggregate classification.
Comment: For these reasons, this variant has been classified as Pathogenic. Disruption of this splice site has been observed in individuals with X-linked retinoschisis (PMID: 12383832, 19390641). This variant is not present in population databases (gnomAD no frequency). This sequence change affects a donor splice site in intron 2 of the RS1 gene. It is expected to disrupt RNA splicing. Variants that disrupt the donor or acceptor splice site typically lead to a loss of protein function (PMID: 16199547), and loss-of-function variants in RS1 are known to be pathogenic (PMID: 9618178, 17172462). Algorithms developed to predict the effect of sequence changes on RNA splicing suggest that this variant may disrupt the consensus splice site. ClinVar contains an entry for this variant (Variation ID: 99022). This variant is also known as IVS2+1G>A.

Retina International
No classification provided. Review status: no classification provided. Collection method: not provided. Allele origin: not provided. Not counted in ClinVar's aggregate classification.

Literature cited by the submitters: PubMed 12383832 (cited by Labcorp Genetics (formerly Invitae), Labcorp); PubMed 19390641 (cited by Labcorp Genetics (formerly Invitae), Labcorp); PubMed 16199547 (cited by Labcorp Genetics (formerly Invitae), Labcorp); PubMed 9618178 (cited by Labcorp Genetics (formerly Invitae), Labcorp); PubMed 17172462 (cited by Labcorp Genetics (formerly Invitae), Labcorp).